The following is an entry in ClinVar:

NM_006662.3(SRCAP):c.8747C>T (p.Pro2916Leu)

Gene: SRCAP (Snf2 related CREBBP activator protein; plus strand). Cytogenetic location: 16p11.2.
Variant type: single nucleotide variant.
Coding change: c.8747C>T on transcript NM_006662.3 (MANE Select); coding-DNA position 8747, C replaced by T.
Protein change: p.Pro2916Leu; replaces proline 2916 with leucine.
Molecular consequence: missense variant.
Genome position (GRCh38, 1-based): chr16:30,738,787, C>T. VCF-style: chr16-30738787-C-T. GRCh37 (hg19) VCF-style: chr16-30750108-C-T.
Other names: short protein forms P2916L.
Identifiers: ClinVar variation 3644957 (VCV003644957.2).
Genomic context (GRCh38, chr16:30,738,787, plus strand): 5'-CTGGGCCTGAGACCCTAATTGTTGCAGATCCTGTCCTGGAACCACAGCTTATTCCTGGGC[C>T]CCAGCCTCTTGGACCCCAGCCAGTTCACAGACCCAATCCCCTCCTGTCACCTGTGGAGAA-3'
Protein context (NP_006653.2, residues 2906-2926): PVLEPQLIPG[Pro2916Leu]QPLGPQPVHR

ClinVar aggregate classification (germline): Uncertain significance (1 of 4 stars; one submission).

gnomAD v4.1: 1 of 1,613,774 alleles (0.000062%); highest among the groups gnomAD compares: Admixed American, 0.0017%; no homozygotes.

Submission:

Labcorp Genetics (formerly Invitae), Labcorp
Classification: Uncertain significance. Last evaluated: 2024-03-15. Review status: criteria provided, single submitter. Criteria: Invitae Variant Classification Sherloc (09022015). Collection method: clinical testing. Allele origin: germline.
Comment: This sequence change replaces proline, which is neutral and non-polar, with leucine, which is neutral and non-polar, at codon 2916 of the SRCAP protein (p.Pro2916Leu). This variant is not present in population databases (gnomAD no frequency). This variant has not been reported in the literature in individuals affected with SRCAP-related conditions. Advanced modeling of protein sequence and biophysical properties (such as structural, functional, and spatial information, amino acid conservation, physicochemical variation, residue mobility, and thermodynamic stability) performed at Invitae indicates that this missense variant is not expected to disrupt SRCAP protein function with a negative predictive value of 80%. In summary, the available evidence is currently insufficient to determine the role of this variant in disease. Therefore, it has been classified as a Variant of Uncertain Significance.